The following is an entry in ClinVar:

ClinVar aggregate classification (germline): Pathogenic/Likely pathogenic. Review status: criteria provided, multiple submitters, no conflicts (2 of 4 stars). 4 submissions from 4 submitters: Pathogenic (3); Likely pathogenic (1). Last evaluated 2023-04-11.

Conditions:
Microcephaly 5, primary, autosomal recessive (MCPH5). Also called: ASPM Primary Microcephaly. Identifiers: Orphanet 2512, MedGen C1837501, MONDO:0012106, OMIM 608716.

Allele frequency attached by ClinVar (database versions not stated): ExAC 0.00001; gnomAD 0.00001; gnomAD exomes 0.00001; TOPMed 0.00002.
gnomAD v4.1: 20 of 1,612,598 alleles (0.0012%); highest among the groups gnomAD compares: Non-Finnish European, 0.0015%; no homozygotes.

Submissions (4):

Genome-Nilou Lab
Classification: Pathogenic for Microcephaly 5, primary, autosomal recessive. Last evaluated: 2023-04-11. Review status: criteria provided, single submitter. Criteria: ACMG Guidelines, 2015. Collection method: clinical testing. Allele origin: germline. Affected: no.

Genetics and Genomic Medicine Centre, NeuroGen Healthcare, NeuroGen Healthcare
Classification: Likely pathogenic for Microcephaly 5, primary, autosomal recessive. Last evaluated: 2022-09-29. Review status: criteria provided, single submitter. Criteria: Submitter's publication. Collection method: clinical testing. Allele origin: unknown. Affected: no.

Labcorp Genetics (formerly Invitae), Labcorp
Classification: Pathogenic. Last evaluated: 2022-06-21. Review status: criteria provided, single submitter. Criteria: Invitae Variant Classification Sherloc (09022015). Collection method: clinical testing. Allele origin: germline.
Comment: This variant is present in population databases (rs769364943, gnomAD 0.002%). For these reasons, this variant has been classified as Pathogenic. ClinVar contains an entry for this variant (Variation ID: 585449). This premature translational stop signal has been observed in individual(s) with clinical features of primary microcephaly (PMID: 29388391). This sequence change creates a premature translational stop signal (p.Arg2442*) in the ASPM gene. It is expected to result in an absent or disrupted protein product. Loss-of-function variants in ASPM are known to be pathogenic (PMID: 19028728, 23611254).

Athena Diagnostics
Classification: Pathogenic. Last evaluated: 2018-02-26. Review status: criteria provided, single submitter. Criteria: Athena Diagnostics Criteria. Collection method: clinical testing. Allele origin: germline.

Literature cited by the submitters: PubMed 29388391 (cited by Labcorp Genetics (formerly Invitae), Labcorp and Athena Diagnostics); PubMed 19028728 (cited by Labcorp Genetics (formerly Invitae), Labcorp); PubMed 23611254 (cited by Labcorp Genetics (formerly Invitae), Labcorp).

NM_018136.5(ASPM):c.7324C>T (p.Arg2442Ter)

Gene: ASPM (assembly factor for spindle microtubules; minus strand). Cytogenetic location: 1q31.3.
Variant type: single nucleotide variant.
Coding change: c.7324C>T on transcript NM_018136.5 (MANE Select); coding-DNA position 7324, C replaced by T.
Protein change: p.Arg2442Ter; replaces arginine 2442 with a stop codon.
Molecular consequence: nonsense. On other transcripts: intron variant (1).
Genome position (GRCh38, 1-based): chr1:197,101,927, G>A on the plus strand (C>T on the coding strand, the complement: ASPM is on the minus strand). VCF-style: chr1-197101927-G-A. GRCh37 (hg19) VCF-style: chr1-197071057-G-A.
Other names: c.4066-5763C>T (NM_001206846.2); short protein forms R2442*.
Identifiers: ClinVar variation 585449 (VCV000585449.9), dbSNP rs769364943, ClinGen allele CA1309424.